The following is an entry in ClinVar:

NM_004738.5(VAPB):c.209C>T (p.Ser70Phe)

Gene: VAPB (VAMP associated protein B and C; plus strand). Cytogenetic location: 20q13.32.
Variant type: single nucleotide variant.
Coding change: c.209C>T on transcript NM_004738.5 (MANE Select); coding-DNA position 209, C replaced by T.
Protein change: p.Ser70Phe; replaces serine 70 with phenylalanine.
Molecular consequence: missense variant. On other transcripts: non-coding transcript variant (1).
Genome position (GRCh38, 1-based): chr20:58,418,361, C>T. VCF-style: chr20-58418361-C-T. GRCh37 (hg19) VCF-style: chr20-56993417-C-T.
Other names: c.209C>T, p.Ser70Phe (NM_001195677.2); short protein forms S70F.
Identifiers: ClinVar variation 1470770 (VCV001470770.8), dbSNP rs762603323, ClinGen allele CA409442836.

ClinVar aggregate classification (germline): Uncertain significance (1 of 4 stars; one submission).

Conditions:
Amyotrophic lateral sclerosis type 8 (ALS8). Identifiers: Orphanet 803, MedGen C1837728, MONDO:0012077, OMIM 608627.
Adult-onset proximal spinal muscular atrophy, autosomal dominant. Also called: Spinal muscular atrophy, late-onset, finkel type; FINKEL LATE-ADULT TYPE SMA. Identifiers: Orphanet 209335, MedGen C1854058, MONDO:0008453, OMIM 182980.

Submission:

Labcorp Genetics (formerly Invitae), Labcorp
Classification: Uncertain significance for Adult-onset proximal spinal muscular atrophy, autosomal dominant; Amyotrophic lateral sclerosis type 8. Last evaluated: 2021-08-16. Review status: criteria provided, single submitter. Criteria: Invitae Variant Classification Sherloc (09022015). Collection method: clinical testing. Allele origin: germline.
Comment: This sequence change replaces serine with phenylalanine at codon 70 of the VAPB protein (p.Ser70Phe). The serine residue is moderately conserved and there is a large physicochemical difference between serine and phenylalanine. This variant has not been reported in the literature in individuals affected with VAPB-related conditions. Algorithms developed to predict the effect of missense changes on protein structure and function are either unavailable or do not agree on the potential impact of this missense change (SIFT: "Not Available"; PolyPhen-2: "Possibly Damaging"; Align-GVGD: "Not Available"). In summary, the available evidence is currently insufficient to determine the role of this variant in disease. Therefore, it has been classified as a Variant of Uncertain Significance. This variant is not present in population databases (ExAC no frequency).